The following is an entry in ClinVar:

NM_001283009.2(RTEL1):c.442C>T (p.Pro148Ser)

Genes: RTEL1 (regulator of telomere elongation helicase 1; plus strand), RTEL1-TNFRSF6B (RTEL1-TNFRSF6B readthrough (NMD candidate); plus strand). Cytogenetic location: 20q13.33.
Variant type: single nucleotide variant.
Coding change: c.442C>T on transcript NM_001283009.2 (MANE Select); coding-DNA position 442, C replaced by T.
Protein change: p.Pro148Ser; replaces proline 148 with serine.
Molecular consequence: missense variant. On other transcripts: non-coding transcript variant (1), 5 prime UTR variant (1).
Genome position (GRCh38, 1-based): chr20:63,662,592, C>T. VCF-style: chr20-63662592-C-T. GRCh37 (hg19) VCF-style: chr20-62293945-C-T.
Other names: c.-228C>T (NM_001283010.1); c.442C>T, p.Pro148Ser (NM_016434.4); c.514C>T, p.Pro172Ser (NM_032957.5); short protein forms P148S, P172S.
Identifiers: ClinVar variation 2183793 (VCV002183793.3), dbSNP rs2090042476, ClinGen allele CA409669640.

ClinVar aggregate classification (germline): Uncertain significance. Review status: criteria provided, multiple submitters, no conflicts (2 of 4 stars). 2 submissions from 2 submitters: Uncertain significance (2). Last evaluated 2025-07-27.

Conditions:
Inborn genetic diseases. Identifiers: MedGen C0950123, MeSH D030342.
Pulmonary fibrosis and/or bone marrow failure, Telomere-related, 3. Also called: PULMONARY FIBROSIS AND/OR BONE MARROW FAILURE SYNDROME, TELOMERE-RELATED, 3. Identifiers: Orphanet 2032, MedGen C4225346, MONDO:0014613, OMIM 616373.
Dyskeratosis congenita, autosomal recessive 5 (DKCB5). Identifiers: MedGen C3554656, MONDO:0014076, OMIM 615190.

Allele frequency attached by ClinVar (database versions not stated): TOPMed below 0.00001.
gnomAD v4.1: 1 of 1,614,088 alleles (0.000062%); no homozygotes.

Submissions (2):

Labcorp Genetics (formerly Invitae), Labcorp
Classification: Uncertain significance for Dyskeratosis congenita, autosomal recessive 5; Pulmonary fibrosis and/or bone marrow failure, Telomere-related, 3. Last evaluated: 2025-07-27. Review status: criteria provided, single submitter. Criteria: Invitae Variant Classification Sherloc (09022015). Collection method: clinical testing. Allele origin: germline.
Comment: This sequence change replaces proline, which is neutral and non-polar, with serine, which is neutral and polar, at codon 148 of the RTEL1 protein (p.Pro148Ser). This variant is not present in population databases (gnomAD no frequency). This variant has not been reported in the literature in individuals affected with RTEL1-related conditions. ClinVar contains an entry for this variant (Variation ID: 2183793). An algorithm developed to predict the effect of missense changes on protein structure and function (PolyPhen-2) suggests that this variant is likely to be disruptive. In summary, the available evidence is currently insufficient to determine the role of this variant in disease. Therefore, it has been classified as a Variant of Uncertain Significance.

Ambry Genetics
Classification: Uncertain significance for Inborn genetic diseases. Last evaluated: 2025-06-20. Review status: criteria provided, single submitter. Criteria: Ambry Variant Classification Scheme 2023. Collection method: clinical testing. Allele origin: germline.
Comment: The p.P148S variant (also known as c.442C>T), located in coding exon 4 of the RTEL1 gene, results from a C to T substitution at nucleotide position 442. The proline at codon 148 is replaced by serine, an amino acid with similar properties. This amino acid position is conserved. In addition, this alteration is predicted to be tolerated by in silico analysis. Based on the available evidence, the clinical significance of this variant remains unclear.